The following is an entry in ClinVar:

NM_000051.4(ATM):c.3314C>T (p.Ser1105Phe)

Gene: ATM (ATM serine/threonine kinase; plus strand). Cytogenetic location: 11q22.3.
Variant type: single nucleotide variant.
Coding change: c.3314C>T on transcript NM_000051.4 (MANE Select); coding-DNA position 3314, C replaced by T.
Protein change: p.Ser1105Phe; replaces serine 1105 with phenylalanine.
Molecular consequence: missense variant.
Genome position (GRCh38, 1-based): chr11:108,279,520, C>T. VCF-style: chr11-108279520-C-T. GRCh37 (hg19) VCF-style: chr11-108150247-C-T.
Other names: c.3314C>T, p.Ser1105Phe (NM_001351834.2); short protein forms S1105F.
Identifiers: ClinVar variation 1306821 (VCV001306821.8), dbSNP rs141999815, ClinGen allele CA6265262.

ClinVar aggregate classification (germline): Conflicting classifications of pathogenicity. Review status: criteria provided, conflicting classifications (1 of 4 stars). 3 submissions from 3 submitters: Uncertain significance (2); Likely benign (1). Last evaluated 2026-09-01.

Conditions:
Hereditary cancer-predisposing syndrome. Also called: Neoplastic Syndromes, Hereditary; Tumor predisposition; Hereditary Cancer Syndrome; Hereditary neoplastic syndrome. Identifiers: Orphanet 140162, MedGen C0027672, MeSH D009386, MONDO:0015356.
Ataxia-telangiectasia syndrome (AT). Also called: Ataxia telangiectasia (A-T); Ataxia-telangiectasia, complementation group D; AT, COMPLEMENTATION GROUP C; ATAXIA-TELANGIECTASIA, COMPLEMENTATION GROUP A; ATAXIA-TELANGIECTASIA, FRESNO VARIANT; Ataxia-telangiectasia. Identifiers: Orphanet 100, MedGen C0004135, MONDO:0008840, OMIM 208900.

Allele frequency attached by ClinVar (database versions not stated): TOPMed below 0.00001; ExAC 0.00001; gnomAD 0.00001; ESP Exome Variant Server 0.00008; gnomAD exomes below 0.00001.
gnomAD v4.1: 2 of 1,612,770 alleles (0.00012%); highest among the groups gnomAD compares: African/African-American, 0.0013%; no homozygotes.

Submissions (3):

Ambry Genetics
Classification: Likely benign for Hereditary cancer-predisposing syndrome. Last evaluated: 2026-09-01. Review status: criteria provided, single submitter. Criteria: Ambry Variant Classification Scheme 2023. Collection method: clinical testing. Allele origin: germline.

Labcorp Genetics (formerly Invitae), Labcorp
Classification: Uncertain significance for Ataxia-telangiectasia syndrome. Last evaluated: 2025-09-05. Review status: criteria provided, single submitter. Criteria: Invitae Variant Classification Sherloc (09022015). Collection method: clinical testing. Allele origin: germline.
Comment: This sequence change replaces serine, which is neutral and polar, with phenylalanine, which is neutral and non-polar, at codon 1105 of the ATM protein (p.Ser1105Phe). This variant is present in population databases (rs141999815, gnomAD 0.007%). This variant has not been reported in the literature in individuals affected with ATM-related conditions. ClinVar contains an entry for this variant (Variation ID: 1306821). Invitae Evidence Modeling of protein sequence and biophysical properties (such as structural, functional, and spatial information, amino acid conservation, physicochemical variation, residue mobility, and thermodynamic stability) indicates that this missense variant is not expected to disrupt ATM protein function with a negative predictive value of 95%. In summary, the available evidence is currently insufficient to determine the role of this variant in disease. Therefore, it has been classified as a Variant of Uncertain Significance.

GeneDx
Classification: Uncertain significance. Last evaluated: 2019-06-26. Review status: criteria provided, single submitter. Criteria: GeneDx Variant Classification Process June 2021. Collection method: clinical testing. Allele origin: germline. Affected: yes.
Comment: Not observed at a significant frequency in large population cohorts (Lek 2016); In silico analysis, which includes protein predictors and evolutionary conservation, supports that this variant does not alter protein structure/function; Has not been previously published as pathogenic or benign to our knowledge